The following is an entry in ClinVar:

NM_004646.4(NPHS1):c.3224_3228del (p.Leu1075fs)

Gene: NPHS1 (NPHS1 adhesion molecule, nephrin; minus strand). Cytogenetic location: 19q13.12.
Variant type: Deletion.
Coding change: c.3224_3228del on transcript NM_004646.4 (MANE Select); coding-DNA positions 3224 to 3228, 5 bases deleted (TCTCC; older notation c.3224_3228delTCTCC).
Protein change: p.Leu1075fs; shifts the reading frame from leucine 1075.
Molecular consequence: frameshift variant.
Genome position (GRCh38, 1-based): chr19:35,831,701-35,831,705, GGAGA deleted on the plus strand (TCTCC on the coding strand, the reverse complement: NPHS1 is on the minus strand); deleting any 5 consecutive bases within chr19:35,831,701-35,831,709 gives the same sequence; the c. name uses the placement nearest the transcript's 3' end. VCF-style (leftmost placement, unchanged base first): chr19-35831700-TGGAGA-T. GRCh37 (hg19) VCF-style: chr19-36322602-TGGAGA-T.
Other names: short protein forms L1075fs.
Identifiers: ClinVar variation 1724136 (VCV001724136.2), dbSNP rs2513756456, ClinGen allele CA2580096883.

ClinVar aggregate classification (germline): Likely pathogenic (1 of 4 stars; one submission).

Conditions:
Finnish congenital nephrotic syndrome (NPHS1). Also called: NEPHROTIC SYNDROME, TYPE 1. Identifiers: Orphanet 839, MedGen C0403399, MONDO:0009732, OMIM 256300.

Submission:

Myriad Genetics, Inc.
Classification: Likely pathogenic for Finnish congenital nephrotic syndrome. Last evaluated: 2022-01-27. Review status: criteria provided, single submitter. Criteria: Myriad Women's Health Autosomal Recessive and X-Linked Classification Criteria (2021). Collection method: clinical testing. Allele origin: unknown.
Comment: NM_004646.3(NPHS1):c.3224_3228del5(L1075Qfs*19) is expected to be pathogenic in the context of nephrotic syndrome, NPHS1-related. This variant is predicted to lead to an abnormal or absent protein product due to the creation of a premature termination codon in NPHS1, a gene where loss-of-function variants are known to be pathogenic. Please note: this variant was assessed in the context of healthy population screening.